The following is an entry in ClinVar:

ClinVar aggregate classification (germline): Uncertain significance (1 of 4 stars; one submission).

Conditions:
Ehlers-Danlos syndrome, dermatosparaxis type. Also called: Ehlers-Danlos syndrome, type VII, autosomal recessive; Dermatosparaxis; EDS VIIC. Identifiers: Orphanet 1901, MedGen C2700425, MONDO:0009161, OMIM 225410.

Allele frequency attached by ClinVar (database versions not stated): gnomAD exomes 0.00002; ExAC 0.00003; ESP Exome Variant Server 0.00008; TOPMed 0.00008; gnomAD 0.00009; 1000 Genomes Project 30x 0.00016; 1000 Genomes Project 0.00020.
gnomAD v4.1: 51 of 1,613,886 alleles (0.0032%); highest among the groups gnomAD compares: Middle Eastern, 0.033%; no homozygotes.

Submission:

Labcorp Genetics (formerly Invitae), Labcorp
Classification: Uncertain significance for Ehlers-Danlos syndrome, dermatosparaxis type. Last evaluated: 2022-06-26. Review status: criteria provided, single submitter. Criteria: Invitae Variant Classification Sherloc (09022015). Collection method: clinical testing. Allele origin: germline.
Comment: This sequence change replaces valine, which is neutral and non-polar, with isoleucine, which is neutral and non-polar, at codon 818 of the ADAMTS2 protein (p.Val818Ile). This variant is present in population databases (rs143770049, gnomAD 0.03%). This variant has not been reported in the literature in individuals affected with ADAMTS2-related conditions. Algorithms developed to predict the effect of missense changes on protein structure and function (SIFT, PolyPhen-2, Align-GVGD) all suggest that this variant is likely to be tolerated. In summary, the available evidence is currently insufficient to determine the role of this variant in disease. Therefore, it has been classified as a Variant of Uncertain Significance.

NM_014244.5(ADAMTS2):c.2452G>A (p.Val818Ile)

Gene: ADAMTS2 (ADAM metallopeptidase with thrombospondin type 1 motif 2; minus strand). Cytogenetic location: 5q35.3.
Variant type: single nucleotide variant.
Coding change: c.2452G>A on transcript NM_014244.5 (MANE Select); coding-DNA position 2452, G replaced by A.
Protein change: p.Val818Ile; replaces valine 818 with isoleucine.
Molecular consequence: missense variant.
Genome position (GRCh38, 1-based): chr5:179,129,937, C>T on the plus strand (G>A on the coding strand, the complement: ADAMTS2 is on the minus strand). VCF-style: chr5-179129937-C-T. GRCh37 (hg19) VCF-style: chr5-178556938-C-T.
Other names: short protein forms V818I.
Identifiers: ClinVar variation 2082093 (VCV002082093.1), dbSNP rs143770049, ClinGen allele CA3595556.
Genomic context (GRCh38, chr5:179,129,937, plus strand): 5'-CCTCCCCCAGTGGCCACCCGCACCCTTCCCTGGGCCCAGCCCTGCTTGGACTCACCAGAA[C>T]GGTGATGGTGCCGTGGAGGGGGCCCATGGTCTGCAGCGTCTCCCGGCCGTCCTCGTCTCT-3'
Protein context (NP_055059.2, residues 808-828): TMGPLHGTIT[Val818Ile]LVIPVGDTRV